The following is an entry in ClinVar:

ClinVar aggregate classification (germline): Uncertain significance. Review status: reviewed by expert panel (3 of 4 stars). 5 submissions from 5 submitters: Uncertain significance (1). 4 of the submissions do not count toward it. Last evaluated 2025-12-19.

Conditions:
PIK3CD-related disorder. Also called: PIK3CD-related condition.
Immunodeficiency 14 (IMD14A). Also called: Activated PI3K Delta Syndrome Type 1 (APDS1); IMMUNODEFICIENCY 14A WITH LYMPHOPROLIFERATION, AUTOSOMAL DOMINANT; ACTIVATED PI3K-DELTA SYNDROME 1; p110-DELTA-ACTIVATING MUTATION CAUSING SENESCENT T CELLS, LYMPHADENOPATHY, AND IMMUNODEFICIENCY. Identifiers: Orphanet 397596, Orphanet 693661, MedGen C5907821, MONDO:0014222, OMIM 615513.

Allele frequency attached by ClinVar (database versions not stated): gnomAD exomes below 0.00001 and 0.00001; gnomAD 0.00001.
gnomAD v4.1: 12 of 1,613,708 alleles (0.00074%); highest among the groups gnomAD compares: South Asian, 0.0011%; no homozygotes.

Submissions (5):

ClinGen Primary Immune Regulatory Disorders Variant Curation Expert Panel, ClinGen
Classification: Uncertain significance for Immunodeficiency 14. Last evaluated: 2025-12-19. Review status: reviewed by expert panel. Criteria: ClinGen AbDef ACMG Specifications PIK3CD V1.0.0. Collection method: curation. Allele origin: germline. Inheritance: Autosomal dominant inheritance.
Comment: NM_005026.5(PIK3CD):c.2488C>T (p.Arg830Cys) is a missense variant causing substitution of arginine by cysteine at amino acid 830. This variant is present in gnomAD v4.1.0 at a total combined allele frequency of 0.000007436, with 12 alleles / 1,613,708 total alleles across all populations of gnomAD, which is higher than the ClinGen Antibody Deficiencies VCEP PM2_Supporting threshold of <0.00000132. This variant is present in gnomAD v.4.1.0 at a GrpMax allele frequency of 0.000005000, with 11 alleles / 1,180,038 total alleles in the European (non-Finnish) population, which is lower than the BS1 threshold of >0.000316, so no population code can be applied. No published probands were found reported to harbor this variant in association with immunodeficiency. The computational predictor REVEL gives a score of 0.365, which is below the ClinGen Antibody Deficiencies VCEP threshold of >0.644 and does not predict a damaging effect on PIK3CD function. The computational predictor CADD gives a PHRED score of 26.2, which is above the ClinGen Antibody Deficiencies VCEP threshold of >25.3 and predicts a deleterious effect on PIK3CD function. Because the two predictors do not agree on a damaging effect, PP3 is not met. In summary, this variant meets the criteria to be classified as a variant of uncertain significance for autosomal dominant immunodeficiency 14 based on the ACMG/AMP criteria applied, as specified by the ClinGen Antibody Deficiencies VCEP: None. (VCEP specifications version 1.0.0).

Labcorp Genetics (formerly Invitae), Labcorp
Classification: Uncertain significance for Activated PI3K-delta syndrome. Last evaluated: 2025-12-17. Review status: criteria provided, single submitter. Criteria: Invitae Variant Classification Sherloc (09022015). Collection method: clinical testing. Allele origin: germline. Not counted in ClinVar's aggregate classification.
Comment: This sequence change replaces arginine, which is basic and polar, with cysteine, which is neutral and slightly polar, at codon 830 of the PIK3CD protein (p.Arg830Cys). This variant is present in population databases (rs554743340, gnomAD 0.0009%). This variant has not been reported in the literature in individuals affected with PIK3CD-related conditions. ClinVar contains an entry for this variant (Variation ID: 1331658). Invitae Evidence Modeling of protein sequence and biophysical properties (such as structural, functional, and spatial information, amino acid conservation, physicochemical variation, residue mobility, and thermodynamic stability) indicates that this missense variant is expected to disrupt PIK3CD protein function with a positive predictive value of 80%. In summary, the available evidence is currently insufficient to determine the role of this variant in disease. Therefore, it has been classified as a Variant of Uncertain Significance.

CeGaT Center for Human Genetics Tuebingen
Classification: Uncertain significance. Last evaluated: 2024-02-01. Review status: criteria provided, single submitter. Criteria: CeGaT Center For Human Genetics Tuebingen Variant Classification Criteria Version 2. Collection method: clinical testing. Allele origin: germline. Affected: yes. Observed: 1 variant allele. Not counted in ClinVar's aggregate classification.
Comment: PIK3CD: PM2, BP4

PreventionGenetics, part of Exact Sciences
Classification: Uncertain significance for PIK3CD-related condition. Last evaluated: 2023-03-31. Review status: criteria provided, single submitter. Criteria: ACMG Guidelines, 2015. Collection method: clinical testing. Allele origin: germline. Not counted in ClinVar's aggregate classification.
Comment: The PIK3CD c.2488C>T variant is predicted to result in the amino acid substitution p.Arg830Cys. To our knowledge, this variant has not been reported in the literature. This variant is reported in 0.00088% of alleles in individuals of European (Non-Finnish) descent in gnomAD. At this time, the clinical significance of this variant is uncertain due to the absence of conclusive functional and genetic evidence.

Greenwood Genetic Center Diagnostic Laboratories, Greenwood Genetic Center
Classification: Uncertain significance. Last evaluated: 2021-01-04. Review status: criteria provided, single submitter. Criteria: ACMG Guidelines, 2015. Collection method: clinical testing. Allele origin: germline. Affected: yes. Not counted in ClinVar's aggregate classification.
Comment: PM2

NM_005026.5(PIK3CD):c.2488C>T (p.Arg830Cys)

Gene: PIK3CD (phosphatidylinositol-4,5-bisphosphate 3-kinase catalytic subunit delta; plus strand). Cytogenetic location: 1p36.22.
Variant type: single nucleotide variant.
Coding change: c.2488C>T on transcript NM_005026.5 (MANE Select); coding-DNA position 2488, C replaced by T.
Protein change: p.Arg830Cys; replaces arginine 830 with cysteine.
Molecular consequence: missense variant.
Genome position (GRCh38, 1-based): chr1:9,723,186, C>T. VCF-style: chr1-9723186-C-T. GRCh37 (hg19) VCF-style: chr1-9783244-C-T.
Other names: NM_005026.5(PIK3CD):c.2488C>T; p.Arg830Cys; c.2485C>T, p.Arg829Cys (NM_001350234.2); c.2401C>T, p.Arg801Cys (NM_001350235.1); c.2488C>T (NM_005026.3); short protein forms R801C, R829C, R830C.
Identifiers: ClinVar variation 1331658 (VCV001331658.31), dbSNP rs554743340, ClinGen allele CA17782819.